The following is an entry in ClinVar:

NM_000088.4(COL1A1):c.1615-14C>T

Gene: COL1A1 (collagen type I alpha 1 chain; minus strand). Cytogenetic location: 17q21.33.
Variant type: single nucleotide variant.
Coding change: c.1615-14C>T on transcript NM_000088.4 (MANE Select); 14 bases into the intron before coding-DNA position 1615, C replaced by T.
Molecular consequence: intron variant.
Genome position (GRCh38, 1-based): chr17:50,194,197, G>A on the plus strand (C>T on the coding strand, the complement: COL1A1 is on the minus strand). VCF-style: chr17-50194197-G-A. GRCh37 (hg19) VCF-style: chr17-48271558-G-A.
Identifiers: ClinVar variation 888579 (VCV000888579.13), dbSNP rs190098788, ClinGen allele CA8645174.

ClinVar aggregate classification (germline): Conflicting classifications of pathogenicity. Review status: criteria provided, conflicting classifications (1 of 4 stars). 5 submissions from 3 submitters: Uncertain significance (1); Benign (4). Last evaluated 2025-11-10.

Conditions:
Osteogenesis imperfecta type I (OI1). Also called: OI, TYPE I; OSTEOGENESIS IMPERFECTA TARDA; OSTEOGENESIS IMPERFECTA WITH BLUE SCLERAE; Osteogenesis imperfecta type 1; Lobstein's Disease; Lobstein disease. Identifiers: Orphanet 216796, Orphanet 666, MedGen C0023931, MONDO:0008146, OMIM 166200. Disease mechanism: loss of function.
Ehlers-Danlos syndrome, arthrochalasia type. Also called: ARTHROCHALASIS MULTIPLEX CONGENITA; EDS VII, MUTANT PROCOLLAGEN TYPE; EDS VIIA; Ehlers-Danlos syndrome, arthrochalasia type, 1; Ehlers-Danlos syndrome, arthrochalasis type. Identifiers: Orphanet 1899, Orphanet 99875, Orphanet 99876, MedGen C4551623, MONDO:0007525, OMIM 130060.
Infantile cortical hyperostosis. Also called: Caffey Disease; Hyperostosis, Cortical, Congenital; P1PK BLOOD GROUP SYSTEM, P(2) PHENOTYPE. Identifiers: Orphanet 1310, MedGen C0020497, MONDO:0007244, OMIM 114000.
Osteogenesis imperfecta (OI). Identifiers: Orphanet 666, MedGen C0029434, MeSH D010013, MONDO:0019019.

Allele frequency attached by ClinVar (database versions not stated): TOPMed 0.00003; gnomAD exomes 0.00011 and 0.00016; 1000 Genomes Project 30x 0.00016; 1000 Genomes Project 0.00020; ExAC 0.00020.
gnomAD v4.1: 163 of 1,613,368 alleles (0.01%); highest among the groups gnomAD compares: East Asian, 0.36%; no homozygotes.

Submissions (5):

Women's Health and Genetics/Laboratory Corporation of America, LabCorp
Classification: Benign. Last evaluated: 2025-11-10. Review status: criteria provided, single submitter. Criteria: LabCorp Variant Classification Summary - May 2015. Collection method: clinical testing. Allele origin: germline.

Labcorp Genetics (formerly Invitae), Labcorp
Classification: Benign for Osteogenesis imperfecta type I. Last evaluated: 2025-03-16. Review status: criteria provided, single submitter. Criteria: Invitae Variant Classification Sherloc (09022015). Collection method: clinical testing. Allele origin: germline.

Illumina Laboratory Services, Illumina
Classification: Benign for Ehlers-Danlos syndrome, arthrochalasia type. Last evaluated: 2018-01-13. Review status: criteria provided, single submitter. Criteria: ICSL Variant Classification Criteria 13 December 2019. Collection method: clinical testing. Allele origin: germline.
Comment: This variant was observed in the ICSL laboratory as part of a predisposition screen in an ostensibly healthy population. It had not been previously curated by ICSL or reported in the Human Gene Mutation Database (HGMD: prior to June 1st, 2018), and was therefore a candidate for classification through an automated scoring system. Utilizing variant allele frequency, disease prevalence and penetrance estimates, and inheritance mode, an automated score was calculated to assess if this variant is too frequent to cause the disease. Based on the score and internal cut-off values, a variant classified as benign is not then subjected to further curation. The score for this variant resulted in a classification of benign for this disease.

Illumina Laboratory Services, Illumina
Classification: Benign for Osteogenesis imperfecta. Last evaluated: 2018-01-13. Review status: criteria provided, single submitter. Criteria: ICSL Variant Classification Criteria 13 December 2019. Collection method: clinical testing. Allele origin: germline.
Comment: the same text as in the submission from Illumina Laboratory Services, Illumina above.

Illumina Laboratory Services, Illumina
Classification: Uncertain significance for Infantile cortical hyperostosis. Last evaluated: 2018-01-13. Review status: criteria provided, single submitter. Criteria: ICSL Variant Classification Criteria 13 December 2019. Collection method: clinical testing. Allele origin: germline.